The following is an entry in ClinVar:

NM_001278116.2(L1CAM):c.1228C>G (p.His410Asp)

Gene: L1CAM (L1 cell adhesion molecule; minus strand). Cytogenetic location: Xq28.
Variant type: single nucleotide variant.
Coding change: c.1228C>G on transcript NM_001278116.2 (MANE Select); coding-DNA position 1228, C replaced by G.
Protein change: p.His410Asp; replaces histidine 410 with aspartic acid.
Molecular consequence: missense variant.
Genome position (GRCh38, 1-based): chrX:153,869,559, G>C on the plus strand (C>G on the coding strand, the complement: L1CAM is on the minus strand). VCF-style: chrX-153869559-G-C. GRCh37 (hg19) VCF-style: chrX-153135014-G-C.
Other names: p.His410Asp; c.1228C>G, p.His410Asp (NM_000425.5, NM_024003.3); c.1213C>G, p.His405Asp (NM_001143963.2); short protein forms H405D, H410D.
Identifiers: ClinVar variation 3573920 (VCV003573920.2).

ClinVar aggregate classification (germline): Likely pathogenic (1 of 4 stars; one submission).

Conditions:
MASA syndrome. Also called: CRASH syndrome; ADDUCTED THUMB WITH MENTAL RETARDATION; CLASPED THUMB AND MENTAL RETARDATION; GAREIS-MASON SYNDROME; MENTAL RETARDATION, APHASIA, SHUFFLING GAIT, AND ADDUCTED THUMBS; SPASTIC PARAPLEGIA 1, X-LINKED. Identifiers: Orphanet 2466, MedGen C0795953, MONDO:0010559, OMIM 303350.

Submission:

Wenzhou Central Hospital
Classification: Likely pathogenic for MASA syndrome. Last evaluated: 2025-01-20. Review status: criteria provided, single submitter. Criteria: ACMG Guidelines, 2015. Collection method: clinical testing. Allele origin: germline. Inheritance: X-linked recessive inheritance. Affected: yes. Observed: 6 variant alleles, 3 heterozygotes, 3 hemizygotes. Clinical features observed: Aqueductal stenosis (HP:0002410), Corticospinal tract hypoplasia (HP:0007016), Thumb contracture (HP:0009600).
Comment: The variant (p.His410Asp) follows co-segregation in a family of 11 individuals, with three male carriers of the variant affected by the condition. The mothers of these three males are all heterozygous. Remaining direct relatives who are unaffected are all of the wild type. The frequency of this variant in the normal population is 0, and various computational prediction tools, including SIFT and PolyPhen, consistently classify it as 'damaging,' while AlphaMissense predicts it to be likely pathogenic.